The following is an entry in ClinVar:

NM_001164277.2(SLC37A4):c.878T>C (p.Leu293Pro)

Gene: SLC37A4 (solute carrier family 37 member 4; minus strand). Cytogenetic location: 11q23.3.
Variant type: single nucleotide variant.
Coding change: c.878T>C on transcript NM_001164277.2 (MANE Select); coding-DNA position 878, T replaced by C.
Protein change: p.Leu293Pro; replaces leucine 293 with proline.
Molecular consequence: missense variant.
Genome position (GRCh38, 1-based): chr11:119,026,073, A>G on the plus strand (T>C on the coding strand, the complement: SLC37A4 is on the minus strand). VCF-style: chr11-119026073-A-G. GRCh37 (hg19) VCF-style: chr11-118896783-A-G.
Other names: c.878T>C, p.Leu293Pro (NM_001164278.2, NM_001164280.2, NM_001467.6); c.659T>C, p.Leu220Pro (NM_001164279.2); short protein forms L293P, L220P.
Identifiers: ClinVar variation 282064 (VCV000282064.11), dbSNP rs886042302, ClinGen allele CA10604058.

ClinVar aggregate classification (germline): Uncertain significance. Review status: criteria provided, multiple submitters, no conflicts (2 of 4 stars). 3 submissions from 3 submitters: Uncertain significance (2). 1 of the submissions does not count toward it. Last evaluated 2025-11-25.

Conditions:
Glucose-6-phosphate transport defect (GSD1B). Also called: Glycogen Storage Disease Type Ib; GSD Ib. Identifiers: Orphanet 364, Orphanet 79259, MedGen C0268146, MONDO:0009288, OMIM 232220.

Allele frequency attached by ClinVar (database versions not stated): gnomAD exomes 0.00001; TOPMed 0.00002; gnomAD 0.00003.

Submissions (3):

Labcorp Genetics (formerly Invitae), Labcorp
Classification: Uncertain significance for Glucose-6-phosphate transport defect. Last evaluated: 2025-11-25. Review status: criteria provided, single submitter. Criteria: Invitae Variant Classification Sherloc (09022015). Collection method: clinical testing. Allele origin: germline.
Comment: This sequence change replaces leucine, which is neutral and non-polar, with proline, which is neutral and non-polar, at codon 293 of the SLC37A4 protein (p.Leu293Pro). This variant is present in population databases (no rsID available, gnomAD 0.007%). This variant has not been reported in the literature in individuals affected with SLC37A4-related conditions. ClinVar contains an entry for this variant (Variation ID: 282064). Invitae Evidence Modeling of protein sequence and biophysical properties (such as structural, functional, and spatial information, amino acid conservation, physicochemical variation, residue mobility, and thermodynamic stability) indicates that this missense variant is not expected to disrupt SLC37A4 protein function with a negative predictive value of 95%. In summary, the available evidence is currently insufficient to determine the role of this variant in disease. Therefore, it has been classified as a Variant of Uncertain Significance.

Eurofins Ntd Llc (ga)
Classification: Uncertain significance. Last evaluated: 2015-08-14. Review status: criteria provided, single submitter. Criteria: EGL Classification Definitions 2015. Collection method: clinical testing. Allele origin: germline. Observed: 1 variant allele, 1 heterozygote.

Natera, Inc.
Classification: Uncertain significance for Glycogen storage disease type Ib. Last evaluated: 2020-04-16. Review status: no assertion criteria provided. Collection method: clinical testing. Allele origin: germline. Not counted in ClinVar's aggregate classification.